The following is an entry in ClinVar:

NM_001127671.2(LIFR):c.1394dup (p.Leu465fs)

Gene: LIFR (LIF receptor subunit alpha; minus strand). Cytogenetic location: 5p13.1.
Variant type: Duplication.
Coding change: c.1394dup on transcript NM_001127671.2 (MANE Select); coding-DNA position 1394, one base duplicated (T; older notation c.1394dupT).
Protein change: p.Leu465fs; shifts the reading frame from leucine 465.
Molecular consequence: frameshift variant.
Genome position (GRCh38, 1-based): chr5:38,504,019, A duplicated on the plus strand (T on the coding strand, the reverse complement: LIFR is on the minus strand); the first of 6 consecutive A bases (chr5:38,504,019-38,504,024); duplicating any one gives the same sequence. VCF-style (leftmost placement, unchanged base first): chr5-38504018-T-TA. GRCh37 (hg19) VCF-style: chr5-38504120-T-TA.
Other names: c.1394dup, p.Leu465fs (NM_001364297.2, NM_001364298.2, NM_002310.6); short protein forms L465fs.
Identifiers: ClinVar variation 2760054 (VCV002760054.3), dbSNP rs1299949443, ClinGen allele CA559047590.
Genomic context (GRCh38, chr5:38,504,018, plus strand): 5'-TCTTTAAGAGAATCTTACCTGCTCTTGTACTGAATTAGATTTCTTAATTTCAATTTCACA[T>TA]AAAAAATTAATCTTTGCAAAGTTGCCTGGTAAATGCCAAGAAAGTTTAACAGCTGTTGAA-3'

ClinVar aggregate classification (germline): Pathogenic (1 of 4 stars; one submission).

Submission:

Labcorp Genetics (formerly Invitae), Labcorp
Classification: Pathogenic. Last evaluated: 2023-09-11. Review status: criteria provided, single submitter. Criteria: Invitae Variant Classification Sherloc (09022015). Collection method: clinical testing. Allele origin: germline.
Comment: For these reasons, this variant has been classified as Pathogenic. Algorithms developed to predict the effect of sequence changes on RNA splicing suggest that this variant may disrupt the consensus splice site. This variant has not been reported in the literature in individuals affected with LIFR-related conditions. This variant is present in population databases (no rsID available, gnomAD 0.0009%). This sequence change creates a premature translational stop signal (p.Leu465Phefs*3) in the LIFR gene. It is expected to result in an absent or disrupted protein product. Loss-of-function variants in LIFR are known to be pathogenic (PMID: 14740318).

Literature cited by the submitters: PubMed 14740318.